The following is an entry in ClinVar:

ClinVar aggregate classification (germline): Uncertain significance (1 of 4 stars; one submission).

Conditions:
Hereditary cancer-predisposing syndrome. Also called: Neoplastic Syndromes, Hereditary; Tumor predisposition; Hereditary Cancer Syndrome; Hereditary neoplastic syndrome. Identifiers: Orphanet 140162, MedGen C0027672, MeSH D009386, MONDO:0015356.

Submission:

Ambry Genetics
Classification: Uncertain significance for Hereditary cancer-predisposing syndrome. Last evaluated: 2022-02-12. Review status: criteria provided, single submitter. Criteria: Ambry Variant Classification Scheme 2023. Collection method: clinical testing. Allele origin: germline.
Comment: The p.G306D variant (also known as c.917G>A), located in coding exon 9 of the EPCAM gene, results from a G to A substitution at nucleotide position 917. The glycine at codon 306 is replaced by aspartic acid, an amino acid with similar properties. This amino acid position is conserved. In addition, this alteration is predicted to be tolerated by in silico analysis. Since supporting evidence is limited at this time, the clinical significance of this alteration remains unclear.

NM_002354.3(EPCAM):c.917G>A (p.Gly306Asp)

Gene: EPCAM (epithelial cell adhesion molecule; plus strand). Cytogenetic location: 2p21.
Variant type: single nucleotide variant.
Coding change: c.917G>A on transcript NM_002354.3 (MANE Select); coding-DNA position 917, G replaced by A.
Protein change: p.Gly306Asp; replaces glycine 306 with aspartic acid.
Molecular consequence: missense variant.
Genome position (GRCh38, 1-based): chr2:47,386,585, G>A. VCF-style: chr2-47386585-G-A. GRCh37 (hg19) VCF-style: chr2-47613724-G-A.
Other names: short protein forms G306D.
Identifiers: ClinVar variation 1766076 (VCV001766076.2), dbSNP rs2103770820, ClinGen allele CA346725947.